The following is an entry in ClinVar:

NM_000343.4(SLC5A1):c.34G>A (p.Ala12Thr)

Gene: SLC5A1 (solute carrier family 5 member 1; plus strand). Cytogenetic location: 22q12.3.
Variant type: single nucleotide variant.
Coding change: c.34G>A on transcript NM_000343.4 (MANE Select); coding-DNA position 34, G replaced by A.
Protein change: p.Ala12Thr; replaces alanine 12 with threonine.
Molecular consequence: missense variant.
Genome position (GRCh38, 1-based): chr22:32,043,315, G>A. VCF-style: chr22-32043315-G-A. GRCh37 (hg19) VCF-style: chr22-32439302-G-A.
Other names: c.34G>A (NM_000343.3); short protein forms A12T.
Identifiers: ClinVar variation 1005551 (VCV001005551.5), dbSNP rs202189110, ClinGen allele CA10197815.

ClinVar aggregate classification (germline): Uncertain significance. Review status: criteria provided, multiple submitters, no conflicts (2 of 4 stars). 3 submissions from 3 submitters: Uncertain significance (3). Last evaluated 2024-06-17.

Conditions:
Inborn genetic diseases. Identifiers: MedGen C0950123, MeSH D030342.
Congenital glucose-galactose malabsorption (GGM). Also called: DIARRHEA 16; MONOSACCHARIDE MALABSORPTION. Identifiers: Orphanet 35710, MedGen C0268186, MONDO:0011731, OMIM 606824.

Allele frequency attached by ClinVar (database versions not stated): gnomAD 0.00005 and 0.00006; gnomAD exomes 0.00005; TOPMed 0.00005; ExAC 0.00008.
gnomAD v4.1: 81 of 1,614,032 alleles (0.005%); highest among the groups gnomAD compares: Middle Eastern, 0.016%; no homozygotes.

Submissions (3):

Fulgent Genetics
Classification: Uncertain significance for Congenital glucose-galactose malabsorption. Last evaluated: 2024-06-17. Review status: criteria provided, single submitter. Criteria: ACMG Guidelines, 2015. Collection method: clinical testing. Allele origin: germline.

Labcorp Genetics (formerly Invitae), Labcorp
Classification: Uncertain significance for Congenital glucose-galactose malabsorption. Last evaluated: 2022-07-19. Review status: criteria provided, single submitter. Criteria: Invitae Variant Classification Sherloc (09022015). Collection method: clinical testing. Allele origin: germline.
Comment: This sequence change replaces alanine, which is neutral and non-polar, with threonine, which is neutral and polar, at codon 12 of the SLC5A1 protein (p.Ala12Thr). The frequency data for this variant in the population databases is considered unreliable, as metrics indicate poor data quality at this position in the gnomAD database. This variant has not been reported in the literature in individuals affected with SLC5A1-related conditions. ClinVar contains an entry for this variant (Variation ID: 1005551). Algorithms developed to predict the effect of missense changes on protein structure and function output the following: SIFT: "Tolerated"; PolyPhen-2: "Benign"; Align-GVGD: "Class C0". The threonine amino acid residue is found in multiple mammalian species, which suggests that this missense change does not adversely affect protein function. In summary, the available evidence is currently insufficient to determine the role of this variant in disease. Therefore, it has been classified as a Variant of Uncertain Significance.

Ambry Genetics
Classification: Uncertain significance for Inborn genetic diseases. Last evaluated: 2021-10-12. Review status: criteria provided, single submitter. Criteria: Ambry Variant Classification Scheme 2023. Collection method: clinical testing. Allele origin: germline.